The following is an entry in ClinVar:

ClinVar aggregate classification (germline): Pathogenic (1 of 4 stars; one submission).

Conditions:
Congenital muscular hypertrophy-cerebral syndrome (CDLS2). Also called: SMC1A-Related Cornelia de Lange Syndrome; Cornelia de Lange syndrome 2. Identifiers: Orphanet 199, MedGen C1802395, MONDO:0010370, OMIM 300590.

Submission:

Labcorp Genetics (formerly Invitae), Labcorp
Classification: Pathogenic for Congenital muscular hypertrophy-cerebral syndrome. Last evaluated: 2021-10-20. Review status: criteria provided, single submitter. Criteria: Invitae Variant Classification Sherloc (09022015). Collection method: clinical testing. Allele origin: germline.
Comment: This sequence change creates a premature translational stop signal (p.Arg711Leufs*5) in the SMC1A gene. It is expected to result in an absent or disrupted protein product. Loss-of-function variants in SMC1A are known to be pathogenic (PMID: 26386245, 27334371, 28166369, 28548707, 31334757). This variant is not present in population databases (gnomAD no frequency). This variant has not been reported in the literature in individuals affected with SMC1A-related conditions. For these reasons, this variant has been classified as Pathogenic.

Literature cited by the submitters: PubMed 26386245; PubMed 27334371; PubMed 28166369; PubMed 28548707; PubMed 31334757.

NM_006306.4(SMC1A):c.2132_2139del (p.Arg711fs)

Gene: SMC1A (structural maintenance of chromosomes 1A; minus strand). Cytogenetic location: Xp11.22.
Variant type: Deletion.
Coding change: c.2132_2139del on transcript NM_006306.4 (MANE Select); coding-DNA positions 2132 to 2139, 8 bases deleted (GGCTCAAG; older notation c.2132_2139delGGCTCAAG).
Protein change: p.Arg711fs; shifts the reading frame from arginine 711.
Molecular consequence: frameshift variant.
Genome position (GRCh38, 1-based): chrX:53,405,069-53,405,076, CTTGAGCC deleted on the plus strand (GGCTCAAG on the coding strand, the reverse complement: SMC1A is on the minus strand). VCF-style (leftmost placement, unchanged base first): chrX-53405068-ACTTGAGCC-A. GRCh37 (hg19) VCF-style: chrX-53432000-ACTTGAGCC-A.
Other names: c.2066_2073del, p.Arg689fs (NM_001281463.1); short protein forms R689fs, R711fs.
Identifiers: ClinVar variation 1455891 (VCV001455891.6), dbSNP rs2146599324, ClinGen allele CA2573158987.